The following is an entry in ClinVar:

ClinVar aggregate classification (germline): Uncertain significance. Review status: criteria provided, multiple submitters, no conflicts (2 of 4 stars). 2 submissions from 2 submitters: Uncertain significance (2). Last evaluated 2026-09-17.

Conditions:
Senior-Loken syndrome 7 (SLSN7). Identifiers: Orphanet 3156, MedGen C3150877, MONDO:0013326, OMIM 613615.
Bardet-Biedl syndrome 16 (BBS16). Identifiers: Orphanet 110, MedGen C3889474, MONDO:0014444, OMIM 615993.
SDCCAG8-related disorder. Also called: SDCCAG8-Related Disorders; SDCCAG8-related condition.

Allele frequency attached by ClinVar (database versions not stated): ExAC 0.00002; TOPMed 0.00002; gnomAD 0.00003; gnomAD exomes 0.00003; ESP Exome Variant Server 0.00015; 1000 Genomes Project 30x 0.00016; 1000 Genomes Project 0.00020.
gnomAD v4.1: 22 of 1,614,208 alleles (0.0014%); highest among the groups gnomAD compares: East Asian, 0.016%; no homozygotes.

Submissions (2):

PreventionGenetics, part of Exact Sciences
Classification: Uncertain significance for SDCCAG8-related condition. Last evaluated: 2026-09-17. Review status: criteria provided, single submitter. Criteria: ACMG Guidelines, 2015. Collection method: clinical testing. Allele origin: germline.
Comment: The SDCCAG8 c.866A>G variant is predicted to result in the amino acid substitution p.His289Arg. To our knowledge, this variant has not been reported in the literature. This variant is reported in 0.020% of alleles in individuals of East Asian descent in gnomAD. At this time, the clinical significance of this variant is uncertain due to the absence of conclusive functional and genetic evidence.

Labcorp Genetics (formerly Invitae), Labcorp
Classification: Uncertain significance for Bardet-Biedl syndrome 16; Senior-Loken syndrome 7. Last evaluated: 2022-10-04. Review status: criteria provided, single submitter. Criteria: Invitae Variant Classification Sherloc (09022015). Collection method: clinical testing. Allele origin: germline.
Comment: This sequence change replaces histidine, which is basic and polar, with arginine, which is basic and polar, at codon 289 of the SDCCAG8 protein (p.His289Arg). This variant is present in population databases (rs147807589, gnomAD 0.02%). This variant has not been reported in the literature in individuals affected with SDCCAG8-related conditions. ClinVar contains an entry for this variant (Variation ID: 1429066). Advanced modeling of protein sequence and biophysical properties (such as structural, functional, and spatial information, amino acid conservation, physicochemical variation, residue mobility, and thermodynamic stability) performed at Invitae indicates that this missense variant is not expected to disrupt SDCCAG8 protein function. In summary, the available evidence is currently insufficient to determine the role of this variant in disease. Therefore, it has been classified as a Variant of Uncertain Significance.

NM_006642.5(SDCCAG8):c.866A>G (p.His289Arg)

Gene: SDCCAG8 (SHH signaling and ciliogenesis regulator SDCCAG8; plus strand). Cytogenetic location: 1q43.
Variant type: single nucleotide variant.
Coding change: c.866A>G on transcript NM_006642.5 (MANE Select); coding-DNA position 866, A replaced by G.
Protein change: p.His289Arg; replaces histidine 289 with arginine.
Molecular consequence: missense variant. On other transcripts: 5 prime UTR variant (3).
Genome position (GRCh38, 1-based): chr1:243,308,114, A>G. VCF-style: chr1-243308114-A-G. GRCh37 (hg19) VCF-style: chr1-243471416-A-G.
Other names: c.-38A>G (NM_001350246.2, NM_001350247.2, NM_001350251.2); c.962A>G, p.His321Arg (NM_001350248.2); c.572A>G, p.His191Arg (NM_001350249.2); c.866A>G (NM_006642.3); short protein forms H289R, H191R, H321R.
Identifiers: ClinVar variation 1429066 (VCV001429066.6), dbSNP rs147807589, ClinGen allele CA1483459.